The following is an entry in ClinVar:

NM_152617.4(RNF168):c.1397G>A (p.Arg466Gln)

Gene: RNF168 (ring finger protein 168; minus strand). Cytogenetic location: 3q29.
Variant type: single nucleotide variant.
Coding change: c.1397G>A on transcript NM_152617.4 (MANE Select); coding-DNA position 1397, G replaced by A.
Protein change: p.Arg466Gln; replaces arginine 466 with glutamine.
Molecular consequence: missense variant.
Genome position (GRCh38, 1-based): chr3:196,472,138, C>T on the plus strand (G>A on the coding strand, the complement: RNF168 is on the minus strand). VCF-style: chr3-196472138-C-T. GRCh37 (hg19) VCF-style: chr3-196199009-C-T.
Other names: c.1397G>A (NM_152617.3); short protein forms R466Q.
Identifiers: ClinVar variation 1440811 (VCV001440811.8), dbSNP rs146875144, ClinGen allele CA2780662.

ClinVar aggregate classification (germline): Uncertain significance. Review status: criteria provided, multiple submitters, no conflicts (2 of 4 stars). 3 submissions from 3 submitters: Uncertain significance (3). Last evaluated 2025-07-27.

Conditions:
Inborn genetic diseases. Identifiers: MedGen C0950123, MeSH D030342.

Allele frequency attached by ClinVar (database versions not stated): gnomAD exomes 0.00003.
gnomAD v4.1: 62 of 1,613,584 alleles (0.0038%); highest among the groups gnomAD compares: Admixed American, 0.018%; no homozygotes.

Submissions (3):

Labcorp Genetics (formerly Invitae), Labcorp
Classification: Uncertain significance. Last evaluated: 2025-07-27. Review status: criteria provided, single submitter. Criteria: Invitae Variant Classification Sherloc (09022015). Collection method: clinical testing. Allele origin: germline.
Comment: This sequence change replaces arginine, which is basic and polar, with glutamine, which is neutral and polar, at codon 466 of the RNF168 protein (p.Arg466Gln). This variant is present in population databases (rs146875144, gnomAD 0.06%). This variant has not been reported in the literature in individuals affected with RNF168-related conditions. ClinVar contains an entry for this variant (Variation ID: 1440811). An algorithm developed to predict the effect of missense changes on protein structure and function (PolyPhen-2) suggests that this variant is likely to be disruptive. In summary, the available evidence is currently insufficient to determine the role of this variant in disease. Therefore, it has been classified as a Variant of Uncertain Significance.

Ambry Genetics
Classification: Uncertain significance for Inborn genetic diseases. Last evaluated: 2023-10-28. Review status: criteria provided, single submitter. Criteria: Ambry Variant Classification Scheme 2023. Collection method: clinical testing. Allele origin: germline.

Blueprint Genetics
Classification: Uncertain significance. Last evaluated: 2023-03-03. Review status: criteria provided, single submitter. Criteria: ACMG Guidelines, 2015. Collection method: clinical testing. Allele origin: germline.